The following is an entry in ClinVar:

ClinVar aggregate classification (germline): Uncertain significance. Review status: criteria provided, multiple submitters, no conflicts (2 of 4 stars). 2 submissions from 2 submitters: Uncertain significance (2). Last evaluated 2025-09-23.

Conditions:
Inborn genetic diseases. Identifiers: MedGen C0950123, MeSH D030342.
Autoimmune lymphoproliferative syndrome type 2B. Also called: AUTOIMMUNE LYMPHOPROLIFERATIVE SYNDROME, TYPE IIB. Identifiers: Orphanet 275517, MedGen C1846545, MONDO:0011804, OMIM 607271.

Allele frequency attached by ClinVar (database versions not stated): gnomAD exomes below 0.00001 and 0.00001; ExAC 0.00001; gnomAD 0.00003 and 0.00004; TOPMed 0.00003.
gnomAD v4.1: 8 of 1,613,908 alleles (0.0005%); highest among the groups gnomAD compares: African/African-American, 0.0013%; no homozygotes.

Submissions (2):

Labcorp Genetics (formerly Invitae), Labcorp
Classification: Uncertain significance for Autoimmune lymphoproliferative syndrome type 2B. Last evaluated: 2025-09-23. Review status: criteria provided, single submitter. Criteria: Invitae Variant Classification Sherloc (09022015). Collection method: clinical testing. Allele origin: germline.
Comment: This sequence change replaces aspartic acid, which is acidic and polar, with asparagine, which is neutral and polar, at codon 240 of the CASP8 protein (p.Asp240Asn). This variant is present in population databases (rs772942337, gnomAD 0.004%). This variant has not been reported in the literature in individuals affected with CASP8-related conditions. ClinVar contains an entry for this variant (Variation ID: 1051083). Invitae Evidence Modeling of protein sequence and biophysical properties (such as structural, functional, and spatial information, amino acid conservation, physicochemical variation, residue mobility, and thermodynamic stability) indicates that this missense variant is not expected to disrupt CASP8 protein function with a negative predictive value of 80%. In summary, the available evidence is currently insufficient to determine the role of this variant in disease. Therefore, it has been classified as a Variant of Uncertain Significance.

Ambry Genetics
Classification: Uncertain significance for Inborn genetic diseases. Last evaluated: 2025-07-15. Review status: criteria provided, single submitter. Criteria: Ambry Variant Classification Scheme 2023. Collection method: clinical testing. Allele origin: germline.

NM_001372051.1(CASP8):c.667G>A (p.Asp223Asn)

Gene: CASP8 (caspase 8; plus strand). Cytogenetic location: 2q33.1.
Variant type: single nucleotide variant.
Coding change: c.667G>A on transcript NM_001372051.1 (MANE Select); coding-DNA position 667, G replaced by A.
Protein change: p.Asp223Asn; replaces aspartic acid 223 with asparagine.
Molecular consequence: missense variant. On other transcripts: non-coding transcript variant (21), intron variant (4).
Genome position (GRCh38, 1-based): chr2:201,276,833, G>A. VCF-style: chr2-201276833-G-A. GRCh37 (hg19) VCF-style: chr2-202141556-G-A.
Other names: c.52G>A, p.Asp18Asn (NM_001400680.1, NM_001400674.1); c.25G>A, p.Asp9Asn (NM_001400751.1, NM_001400675.1, NM_001400676.1 and 2 more transcripts); c.667G>A, p.Asp223Asn (NM_033355.4, NM_001400648.1, NM_001400651.1 and 6 more transcripts); c.70G>A, p.Asp24Asn (NM_001400750.1, NM_001400671.1, NM_001400672.1 and 1 more transcripts); c.622G>A, p.Asp208Asn (NM_033356.4, NM_001080124.2, NM_001400658.1 and 5 more transcripts); c.844G>A, p.Asp282Asn (NM_001080125.2); c.718G>A, p.Asp240Asn (NM_001228.5); c.799G>A, p.Asp267Asn (NM_001400642.1); and 7 more; short protein forms D208N, D223N, D240N, D282N, D120N, D18N, D200N, D234N.
Identifiers: ClinVar variation 1051083 (VCV001051083.8), dbSNP rs772942337, ClinGen allele CA2053646.